The following is an entry in ClinVar:

NM_198968.4(DZIP1):c.687G>A (p.Glu229=)

Gene: DZIP1 (DAZ interacting zinc finger protein 1; minus strand). Cytogenetic location: 13q32.1.
Variant type: single nucleotide variant.
Coding change: c.687G>A on transcript NM_198968.4 (MANE Select); coding-DNA position 687, G replaced by A.
Protein change: p.Glu229=; no amino-acid change (glutamic acid 229 retained).
Molecular consequence: synonymous variant.
Genome position (GRCh38, 1-based): chr13:95,630,112, C>T on the plus strand (G>A on the coding strand, the complement: DZIP1 is on the minus strand). VCF-style: chr13-95630112-C-T. GRCh37 (hg19) VCF-style: chr13-96282366-C-T.
Other names: c.687G>A, p.Glu229= (NM_014934.5).
Identifiers: ClinVar variation 4979165 (VCV004979165.1).

ClinVar aggregate classification (germline): Likely benign (1 of 4 stars; one submission).

Conditions:
DZIP1-related disorder. Also called: DZIP1-related condition.

gnomAD v4.1: 161 of 1,608,978 alleles (0.01%); highest among the groups gnomAD compares: East Asian, 0.096%; no homozygotes.

Submission:

PreventionGenetics, part of Exact Sciences
Classification: Likely benign for DZIP1-related condition. Last evaluated: 2026-04-01. Review status: criteria provided, single submitter. Criteria: ACMG Guidelines, 2015. Collection method: clinical testing. Allele origin: germline.
Comment: This variant is classified as likely benign based on ACMG/AMP sequence variant interpretation guidelines (Richards et al. 2015 PMID: 25741868, with internal and published modifications).